The following is an entry in ClinVar:

NM_001375380.1(EBF3):c.1740del (p.Asn581fs)

Gene: EBF3 (EBF transcription factor 3; minus strand). Cytogenetic location: 10q26.3.
Variant type: Deletion.
Coding change: c.1740del on transcript NM_001375380.1 (MANE Select); coding-DNA position 1740, one base deleted (C; older notation c.1740delC).
Protein change: p.Asn581fs; shifts the reading frame from asparagine 581.
Molecular consequence: frameshift variant.
Genome position (GRCh38, 1-based): chr10:129,840,264, G deleted on the plus strand (C on the coding strand, the reverse complement: EBF3 is on the minus strand); the first of 2 consecutive G bases (chr10:129,840,264-129,840,265); deleting either gives the same sequence. VCF-style (leftmost placement, unchanged base first): chr10-129840263-TG-T. GRCh37 (hg19) VCF-style: chr10-131638527-TG-T.
Other names: c.1605del, p.Asn536fs (NM_001005463.3, NM_001375390.1); c.1740del, p.Asn581fs (NM_001375379.1); c.1632del, p.Asn545fs (NM_001375389.1, NM_001375391.1); c.1524del, p.Asn509fs (NM_001375392.1); short protein forms N509fs, N536fs, N545fs, N581fs.
Identifiers: ClinVar variation 4819165 (VCV004819165.2).

ClinVar aggregate classification (germline): Uncertain significance (1 of 4 stars; one submission).

Conditions:
Hypotonia, ataxia, and delayed development syndrome (HADDS). Also called: EBF3 Neurodevelopmental Disorder. Identifiers: Orphanet 658843, MedGen C4310618, MONDO:0015021, OMIM 617330.

Submission:

Institute of Human Genetics, University of Leipzig Medical Center
Classification: Uncertain significance for Hypotonia, ataxia, and delayed development syndrome. Last evaluated: 2026-03-09. Review status: criteria provided, single submitter. Criteria: ACMG Guidelines, 2015. Collection method: clinical testing. Allele origin: paternal. Inheritance: Autosomal dominant inheritance. Affected: yes.
Comment: Criteria applied: PVS1_MOD,PM2